The following is an entry in ClinVar:

ClinVar aggregate classification (germline): Uncertain significance (1 of 4 stars; one submission).

gnomAD v4.1: 1 of 1,614,052 alleles (0.000062%); highest among the groups gnomAD compares: East Asian, 0.0022%; no homozygotes.

Submission:

Women's Health and Genetics/Laboratory Corporation of America, LabCorp
Classification: Uncertain significance. Last evaluated: 2025-04-03. Review status: criteria provided, single submitter. Criteria: LabCorp Variant Classification Summary - May 2015. Collection method: clinical testing. Allele origin: germline.
Comment: Variant summary: MCCC2 c.1025G>A (p.Ser342Asn) results in a conservative amino acid change in the encoded protein sequence. Four of five in-silico tools predict a damaging effect of the variant on protein function. The variant allele was found at a frequency of 6.2e-07 in 1607082 control chromosomes (gnomAD v4.1). The variant, c.1025G>A, has been reported in the literature in individuals diagnosed with Methylcrotonyl-CoA Carboxylase Deficiency, or had positive newborn screening results (e.g. Jeong_2011 [no PMID], Jung_2012, Qian_2017, Hao_2023). These data indicate that the variant may be associated with disease. To our knowledge, no experimental evidence demonstrating an impact on protein function has been reported. The following publications have been ascertained in the context of this evaluation (PMID: 22030835, 28771436, 38061323). No submitters have cited clinical-significance assessments for this variant to ClinVar. Based on the evidence outlined above, the variant was classified as VUS-possibly pathogenic.

Literature cited by the submitters: PubMed 38061323; PubMed 22030835; PubMed 28771436.

NM_022132.5(MCCC2):c.1025G>A (p.Ser342Asn)

Gene: MCCC2 (methylcrotonyl-CoA carboxylase subunit 2; plus strand). Cytogenetic location: 5q13.2.
Variant type: single nucleotide variant.
Coding change: c.1025G>A on transcript NM_022132.5 (MANE Select); coding-DNA position 1025, G replaced by A.
Protein change: p.Ser342Asn; replaces serine 342 with asparagine.
Molecular consequence: missense variant.
Genome position (GRCh38, 1-based): chr5:71,641,028, G>A. VCF-style: chr5-71641028-G-A. GRCh37 (hg19) VCF-style: chr5-70936855-G-A.
Other names: c.911G>A, p.Ser304Asn (NM_001363147.1); short protein forms S304N, S342N.
Identifiers: ClinVar variation 3896529 (VCV003896529.2).